The following is an entry in ClinVar:

ClinVar aggregate classification (germline): Uncertain significance. Review status: criteria provided, multiple submitters, no conflicts (2 of 4 stars). 2 submissions from 2 submitters: Uncertain significance (2). Last evaluated 2019-01-23.

Allele frequency attached by ClinVar (database versions not stated): TOPMed 0.00002.
gnomAD v4.1: 14 of 1,612,406 alleles (0.00087%); highest among the groups gnomAD compares: African/African-American, 0.004%; no homozygotes.

Submissions (2):

GeneDx
Classification: Uncertain significance. Last evaluated: 2019-01-23. Review status: criteria provided, single submitter. Criteria: GeneDx Variant Classification Process June 2021. Collection method: clinical testing. Allele origin: germline. Affected: yes.
Comment: Not observed at a significant frequency in large population cohorts (Lek et al., 2016); Has not been previously published as pathogenic or benign to our knowledge; This variant is associated with the following publications: (PMID: 30564623)

Eurofins Ntd Llc (ga)
Classification: Uncertain significance. Last evaluated: 2017-03-07. Review status: criteria provided, single submitter. Criteria: EGL Classification Definitions 2015. Collection method: clinical testing. Allele origin: germline. Observed: 1 variant allele, 1 heterozygote.

NM_004369.4(COL6A3):c.2488G>A (p.Ala830Thr)

Gene: COL6A3 (collagen type VI alpha 3 chain; minus strand). Cytogenetic location: 2q37.3.
Variant type: single nucleotide variant.
Coding change: c.2488G>A on transcript NM_004369.4 (MANE Select); coding-DNA position 2488, G replaced by A.
Protein change: p.Ala830Thr; replaces alanine 830 with threonine.
Molecular consequence: missense variant. On other transcripts: intron variant (1).
Genome position (GRCh38, 1-based): chr2:237,378,645, C>T on the plus strand (G>A on the coding strand, the complement: COL6A3 is on the minus strand). VCF-style: chr2-237378645-C-T. GRCh37 (hg19) VCF-style: chr2-238287288-C-T.
Other names: c.1267G>A, p.Ala423Thr (NM_057164.5); c.1870G>A, p.Ala624Thr (NM_057165.5, NM_057167.4); c.677-1301G>A (NM_057166.5); short protein forms A830T, A423T, A624T.
Identifiers: ClinVar variation 500727 (VCV000500727.7), dbSNP rs77181645, ClinGen allele CA2189403.